The following is an entry in ClinVar:

ClinVar aggregate classification (germline): Conflicting classifications of pathogenicity. Review status: criteria provided, conflicting classifications (1 of 4 stars). 4 submissions from 4 submitters: Uncertain significance (1); Likely benign (2). 1 of the submissions does not count toward it. Last evaluated 2025-12-15.

Conditions:
Bethlem myopathy 1A. Also called: MYOPATHY, BENIGN CONGENITAL, WITH CONTRACTURES; Bethlem myopathy 1; Bethlem Muscular Dystrophy. Identifiers: Orphanet 610, MedGen CN029274, MONDO:0024530, OMIM 158810.
COL6A2-related disorder.

Allele frequency attached by ClinVar (database versions not stated): gnomAD exomes 0.00002 and 0.00006; ExAC 0.00005; gnomAD 0.00012 and 0.00013; ESP Exome Variant Server 0.00015; 1000 Genomes Project 30x 0.00016; TOPMed 0.00016; 1000 Genomes Project 0.00020.
gnomAD v4.1: 44 of 1,612,994 alleles (0.0027%); highest among the groups gnomAD compares: Admixed American, 0.025%; no homozygotes.

Submissions (4):

Labcorp Genetics (formerly Invitae), Labcorp
Classification: Likely benign for Bethlem myopathy 1A. Last evaluated: 2025-12-15. Review status: criteria provided, single submitter. Criteria: Invitae Variant Classification Sherloc (09022015). Collection method: clinical testing. Allele origin: germline.

Blueprint Genetics
Classification: Likely benign. Last evaluated: 2023-04-04. Review status: criteria provided, single submitter. Criteria: ACMG Guidelines, 2015. Collection method: clinical testing. Allele origin: germline.

Eurofins Ntd Llc (ga)
Classification: Uncertain significance. Last evaluated: 2018-06-12. Review status: criteria provided, single submitter. Criteria: EGL ClinVar v180209 classification definitions. Collection method: clinical testing. Allele origin: germline. Observed: 3 variant alleles, 3 heterozygotes.

PreventionGenetics, part of Exact Sciences
Classification: Likely benign for COL6A2-related condition. Last evaluated: 2019-03-12. Review status: no assertion criteria provided. Collection method: clinical testing. Allele origin: germline. Not counted in ClinVar's aggregate classification.
Comment: This variant is classified as likely benign based on ACMG/AMP sequence variant interpretation guidelines (Richards et al. 2015 PMID: 25741868, with internal and published modifications).

NM_001849.4(COL6A2):c.2244C>T (p.Cys748=)

Gene: COL6A2 (collagen type VI alpha 2 chain; plus strand). Cytogenetic location: 21q22.3.
Variant type: single nucleotide variant.
Coding change: c.2244C>T on transcript NM_001849.4 (MANE Select); coding-DNA position 2244, C replaced by T.
Protein change: p.Cys748=; no amino-acid change (cysteine 748 retained).
Molecular consequence: synonymous variant.
Genome position (GRCh38, 1-based): chr21:46,126,059, C>T. VCF-style: chr21-46126059-C-T. GRCh37 (hg19) VCF-style: chr21-47545973-C-T.
Other names: c.2244C>T, p.Cys748= (NM_058174.3, NM_058175.3).
Identifiers: ClinVar variation 289242 (VCV000289242.17), dbSNP rs201426778, ClinGen allele CA10072481.
Genomic context (GRCh38, chr21:46,126,059, plus strand): 5'-GGTCATCACGGACGGGCGCCACGACCCTCGGGACGATGACCTCAACTTGCGGGCGCTGTG[C>T]GACCGCGACGTCACAGTGACGGCCATCGGCATCGGGGACATGTTCCACGAGAAGCACGAG-3'
Protein context (NP_001840.3, residues 738-758): RDDDLNLRAL[Cys748=]DRDVTVTAIG